The following is an entry in ClinVar:

NM_001351132.2(PEX5):c.1559A>G (p.Asn520Ser)

Gene: PEX5 (peroxisomal biogenesis factor 5; plus strand). Cytogenetic location: 12p13.31.
Variant type: single nucleotide variant.
Coding change: c.1559A>G on transcript NM_001351132.2 (MANE Select); coding-DNA position 1559, A replaced by G.
Protein change: p.Asn520Ser; replaces asparagine 520 with serine.
Molecular consequence: missense variant.
Genome position (GRCh38, 1-based): chr12:7,209,169, A>G. VCF-style: chr12-7209169-A-G. GRCh37 (hg19) VCF-style: chr12-7361765-A-G.
Other names: p.Asn535Ser; c.1622A>G (NM_001300789.1); c.1535A>G, p.Asn512Ser (NM_000319.5); c.1604A>G, p.Asn535Ser (NM_001131023.2); c.1448A>G, p.Asn483Ser (NM_001131024.2, NM_001351124.3, NM_001351126.2 and 7 more transcripts); c.1559A>G, p.Asn520Ser (NM_001131025.2, NM_001131026.2, NM_001300789.3 and 4 more transcripts); c.1493A>G, p.Asn498Ser (NM_001351135.3, NM_001351138.2); c.1550A>G, p.Asn517Ser (NM_001351136.2); and 2 more; short protein forms N520S, N512S, N535S, N475S, N483S, N517S, N498S.
Identifiers: ClinVar variation 310427 (VCV000310427.49), dbSNP rs139364109, ClinGen allele CA6426487.

ClinVar aggregate classification (germline): Conflicting classifications of pathogenicity. Review status: criteria provided, conflicting classifications (1 of 4 stars). 10 submissions from 10 submitters: Likely pathogenic (1); Uncertain significance (7); Likely benign (1). 1 of the submissions does not count toward it. Last evaluated 2026-01-14.

Conditions:
PEX5-related disorder. Also called: PEX5-related condition; PEX5-Related Disorders.
Inborn genetic diseases. Identifiers: MedGen C0950123, MeSH D030342.
Peroxisome biogenesis disorder 2A (Zellweger) (PBD2A). Also called: Cerebrohepatorenal syndrome, variant types. Identifiers: Orphanet 912, MedGen C3550273, MONDO:0008954, OMIM 214110.
Peroxisome biogenesis disorder 2B (PBD2B). Identifiers: Orphanet 44, MedGen C3550234, MONDO:0008736, OMIM 202370.
Microcephaly. Also called: Microcephaly (disease). Identifiers: MedGen C4551563, MONDO:0001149, HP:0000252.

Allele frequency attached by ClinVar (database versions not stated): 1000 Genomes Project 0.00020; 1000 Genomes Project 30x 0.00031; gnomAD 0.00013; ExAC 0.00014; ESP Exome Variant Server 0.00015; TOPMed 0.00015; gnomAD exomes 0.00016.
gnomAD v4.1: 214 of 1,613,688 alleles (0.013%); highest among the groups gnomAD compares: East Asian, 0.045%; 1 homozygote.

Submissions (10):

Labcorp Genetics (formerly Invitae), Labcorp
Classification: Uncertain significance for Peroxisome biogenesis disorder 2B. Last evaluated: 2026-01-14. Review status: criteria provided, single submitter. Criteria: Invitae Variant Classification Sherloc (09022015). Collection method: clinical testing. Allele origin: germline.
Comment: This sequence change replaces asparagine, which is neutral and polar, with serine, which is neutral and polar, at codon 520 of the PEX5 protein (p.Asn520Ser). This variant is present in population databases (rs139364109, gnomAD 0.05%). This missense change has been observed in individual(s) with clinical features of PEX5-related conditions (PMID: 32901917, 33584783, 35346031). ClinVar contains an entry for this variant (Variation ID: 310427). An algorithm developed to predict the effect of missense changes on protein structure and function (PolyPhen-2) suggests that this variant is likely to be tolerated. Algorithms developed to predict the effect of sequence changes on RNA splicing suggest that this variant may disrupt the consensus splice site. In summary, the available evidence is currently insufficient to determine the role of this variant in disease. Therefore, it has been classified as a Variant of Uncertain Significance.

PreventionGenetics, part of Exact Sciences
Classification: Uncertain significance for PEX5-related condition. Last evaluated: 2025-08-11. Review status: criteria provided, single submitter. Criteria: ACMG Guidelines, 2015. Collection method: clinical testing. Allele origin: germline.
Comment: The PEX5 c.1559A>G variant is predicted to result in the amino acid substitution p.Asn520Ser. This variant has been reported in the compound heterozygous state with a second PEX5 variant in an individual with peroxisome biogenesis disorder 2A (Zellweger) (Table S2, Seo et al 2020. PubMed ID: 32901917). It has also been reported in the compound heterozygous state in an individual with Zellweger spectrum disorder (ZSD) who was also heterozygous for an assumed de novo variant in the HUWE1 gene (as "HUEW1" in Seo et al. 2022. PubMed ID: 35346031). This variant has also been reported in the heterozygous state in an individual with microcephaly (Lee et al. 2021. PubMed ID: 33584783). This variant is predicted to alter splicing based on available splicing prediction software (SpliceAI, Jaganathan et al. 2019. PubMed ID: 30661751). However, the use of computer prediction software is not equivalent to functional evidence. This variant is reported in 0.055% of alleles in individuals of East Asian descent in gnomAD. At this time, the clinical significance of this variant is uncertain due to the absence of conclusive functional and genetic evidence.

Blueprint Genetics
Classification: Uncertain significance. Last evaluated: 2024-11-25. Review status: criteria provided, single submitter. Criteria: ACMG Guidelines, 2015. Collection method: clinical testing. Allele origin: germline.

Mayo Clinic Laboratories, Mayo Clinic
Classification: Uncertain significance. Last evaluated: 2024-03-14. Review status: criteria provided, single submitter. Criteria: ACMG Guidelines, 2015. Collection method: clinical testing. Allele origin: germline. Observed: 1 variant allele.

Women's Health and Genetics/Laboratory Corporation of America, LabCorp
Classification: Uncertain significance. Last evaluated: 2023-07-18. Review status: criteria provided, single submitter. Criteria: LabCorp Variant Classification Summary - May 2015. Collection method: clinical testing. Allele origin: germline.
Comment: Variant summary: PEX5 c.1559A>G (p.Asn520Ser) results in a conservative amino acid change in the encoded protein sequence. Four of five in-silico tools predict a benign effect of the variant on protein function. Several computational tools predict a significant impact on normal splicing: Three predict the variant weakens the canonical 5' splicing donor site and one predicts the variant abolishes the canonical 5' splicing donor site. However, these predictions have yet to be confirmed by functional studies. The variant allele was found at a frequency of 0.00016 in 251452 control chromosomes (gnomAD). This frequency is not significantly higher than estimated for a pathogenic variant in PEX5 causing Peroxisome Biogenesis Disorders, Zellweger Syndrome Spectrum (0.00016 vs 0.00057), allowing no conclusion about variant significance. c.1559A>G has been reported in the literature as a biallelic genotype in individuals affected with Peroxisome Biogenesis Disorders, Zellweger Syndrome Spectrum (e.g. Seo_2020, Seo_2022), however in one of these cases the patient also carried a de novo HUEW1 variant that could account for the observed phenotype (e.g. Seo_2022). The variant was also found in the heterozygous state in one patient with microcephaly (e.g. Lee_2021). To our knowledge, no experimental evidence demonstrating an impact on protein function has been reported. The following publications have been ascertained in the context of this evaluation (PMID: 33584783, 32901917, 35346031). Five submitters have cited clinical-significance assessments for this variant to ClinVar after 2014, classifying the variant as uncertain significance (n=4) or likely pathogenic (n=1). Based on the evidence outlined above, the variant was classified as uncertain significance.

CeGaT Center for Human Genetics Tuebingen
Classification: Likely benign. Last evaluated: 2022-07-01. Review status: criteria provided, single submitter. Criteria: CeGaT Center For Human Genetics Tuebingen Variant Classification Criteria Version 2. Collection method: clinical testing. Allele origin: germline. Affected: yes. Observed: 1 variant allele.
Comment: PEX5: BP4

Ambry Genetics
Classification: Uncertain significance for Inborn genetic diseases. Last evaluated: 2022-05-20. Review status: criteria provided, single submitter. Criteria: Ambry Variant Classification Scheme 2023. Collection method: clinical testing. Allele origin: germline.

3billion
Classification: Likely pathogenic for Peroxisome biogenesis disorder 2A (Zellweger). Last evaluated: 2021-10-02. Review status: criteria provided, single submitter. Criteria: ACMG Guidelines, 2015. Collection method: clinical testing. Allele origin: paternal. Affected: yes. Observed: 1 heterozygote.
Comment: The variant is located in a mutational hot spot and/or well-established functional domain in which established pathogenic variants have been reported (PMID: 9418886, PM1). This variant is observed at an extremely low frequency in the gnomAD v2.1.1 dataset (total allele frequency: 0.000159, PM2). In silico tool predictions suggest damaging effect of the variant on gene or gene product (PP3). Patient’s phenotype is considered as compatible with Peroxisome biogenesis disorder 2A (3billion dataset, PP4). Therefore, this variant is classified as likely pathogenic according to the recommendation of ACMG/AMP guideline.

Eurofins Ntd Llc (ga)
Classification: Uncertain significance. Last evaluated: 2017-09-15. Review status: criteria provided, single submitter. Criteria: EGL Classification Definitions 2015. Collection method: clinical testing. Allele origin: germline. Observed: 1 variant allele, 1 heterozygote.

Department of Pediatrics, Samsung Medical Center, Samsung Medical Center
Classification: Uncertain significance for Microcephaly. Review status: no assertion criteria provided. Criteria: ACMG Guidelines, 2015. Collection method: research. Allele origin: germline. Affected: yes. Not counted in ClinVar's aggregate classification.

Literature cited by the submitters: PubMed 32901917 (cited by 3 submitters); PubMed 33584783 (cited by Labcorp Genetics (formerly Invitae), Labcorp and Women's Health and Genetics/Laboratory Corporation of America, LabCorp); PubMed 35346031 (cited by 3 submitters).